The following is an entry in ClinVar:

ClinVar aggregate classification (germline): Conflicting classifications of pathogenicity. Review status: criteria provided, conflicting classifications (1 of 4 stars). 2 submissions from 2 submitters: Uncertain significance (1); Likely benign (1). Last evaluated 2022-12-04.

Allele frequency attached by ClinVar (database versions not stated): gnomAD 0.00001; gnomAD exomes 0.00002; ExAC 0.00011; 1000 Genomes Project 30x 0.00016; 1000 Genomes Project 0.00020.
gnomAD v4.1: 24 of 1,560,232 alleles (0.0015%); highest among the groups gnomAD compares: South Asian, 0.026%; no homozygotes.

Submissions (2):

Labcorp Genetics (formerly Invitae), Labcorp
Classification: Uncertain significance. Last evaluated: 2022-12-04. Review status: criteria provided, single submitter. Criteria: Invitae Variant Classification Sherloc (09022015). Collection method: clinical testing. Allele origin: germline.
Comment: In summary, the available evidence is currently insufficient to determine the role of this variant in disease. Therefore, it has been classified as a Variant of Uncertain Significance. Algorithms developed to predict the effect of missense changes on protein structure and function are either unavailable or do not agree on the potential impact of this missense change (SIFT: "Deleterious"; PolyPhen-2: "Benign"; Align-GVGD: "Class C0"). This variant has not been reported in the literature in individuals affected with RIMS1-related conditions. This variant is present in population databases (rs572811151, gnomAD 0.03%), and has an allele count higher than expected for a pathogenic variant. This sequence change replaces arginine, which is basic and polar, with serine, which is neutral and polar, at codon 356 of the RIMS1 protein (p.Arg356Ser).

Blueprint Genetics
Classification: Likely benign. Last evaluated: 2022-04-28. Review status: criteria provided, single submitter. Criteria: ACMG Guidelines, 2015. Collection method: clinical testing. Allele origin: germline.

NM_014989.7(RIMS1):c.1066C>A (p.Arg356Ser)

Gene: RIMS1 (regulating synaptic membrane exocytosis 1; plus strand). Cytogenetic location: 6q13.
Variant type: single nucleotide variant.
Coding change: c.1066C>A on transcript NM_014989.7 (MANE Select); coding-DNA position 1066, C replaced by A.
Protein change: p.Arg356Ser; replaces arginine 356 with serine.
Molecular consequence: missense variant.
Genome position (GRCh38, 1-based): chr6:72,182,537, C>A. VCF-style: chr6-72182537-C-A. GRCh37 (hg19) VCF-style: chr6-72892240-C-A.
Other names: short protein forms R356S.
Identifiers: ClinVar variation 1940353 (VCV001940353.6), dbSNP rs572811151, ClinGen allele CA3885646.